The following is an entry in ClinVar:

ClinVar aggregate classification (germline): Uncertain significance (1 of 4 stars; one submission).

Conditions:
Leber congenital amaurosis 13 (LCA13). Identifiers: MedGen C2675186, MONDO:0012990, OMIM 612712.

Submission:

Labcorp Genetics (formerly Invitae), Labcorp
Classification: Uncertain significance for Leber congenital amaurosis 13. Last evaluated: 2025-02-01. Review status: criteria provided, single submitter. Criteria: Invitae Variant Classification Sherloc (09022015). Collection method: clinical testing. Allele origin: germline.
Comment: This variant, c.35_37del, results in the deletion of 1 amino acid(s) of the RDH12 protein (p.Phe12del), but otherwise preserves the integrity of the reading frame. This variant is present in population databases (no rsID available, gnomAD 0.007%). This variant has not been reported in the literature in individuals affected with RDH12-related conditions. Experimental studies and prediction algorithms are not available or were not evaluated, and the functional significance of this variant is currently unknown. In summary, the available evidence is currently insufficient to determine the role of this variant in disease. Therefore, it has been classified as a Variant of Uncertain Significance.

NM_152443.3(RDH12):c.32TCT[1] (p.Phe12del)

Genes: RDH12 (retinol dehydrogenase 12; plus strand), GPHN (gephyrin; plus strand). Cytogenetic location: 14q24.1.
Variant type: Microsatellite.
Coding change: c.32TCT[1] on transcript NM_152443.3 (MANE Select); one copy of the 3-base unit TCT starting at c.32; the reference has two copies in a row; one copy, 3 bases deleted.
Protein change: p.Phe12del; deletes phenylalanine 12.
Molecular consequence: inframe deletion.
Genome position (GRCh38, 1-based): chr14:67,722,677-67,722,679, TCT deleted; deleting any 3 consecutive bases within chr14:67,722,672-67,722,679 gives the same sequence; the position shown is the placement nearest the transcript's 3' end. VCF-style (leftmost placement, unchanged base first): chr14-67722671-CCTT-C. GRCh37 (hg19) VCF-style: chr14-68189388-CCTT-C.
Other names: short protein forms F12del.
Identifiers: ClinVar variation 1461518 (VCV001461518.7), dbSNP rs1274797842, ClinGen allele CA614772612.